The following is an entry in ClinVar:

ClinVar aggregate classification (germline): Uncertain significance. Review status: criteria provided, multiple submitters, no conflicts (2 of 4 stars). 2 submissions from 2 submitters: Uncertain significance (2). Last evaluated 2024-11-13.

Conditions:
Inborn genetic diseases. Identifiers: MedGen C0950123, MeSH D030342.

Allele frequency attached by ClinVar (database versions not stated): gnomAD exomes below 0.00001; gnomAD 0.00001; TOPMed 0.00001.
gnomAD v4.1: 2 of 1,613,336 alleles (0.00012%); highest among the groups gnomAD compares: Non-Finnish European, 0.00017%; no homozygotes.

Submissions (2):

Ambry Genetics
Classification: Uncertain significance for Inborn genetic diseases. Last evaluated: 2024-11-13. Review status: criteria provided, single submitter. Criteria: Ambry Variant Classification Scheme 2023. Collection method: clinical testing. Allele origin: germline.

Labcorp Genetics (formerly Invitae), Labcorp
Classification: Uncertain significance. Last evaluated: 2024-10-15. Review status: criteria provided, single submitter. Criteria: Invitae Variant Classification Sherloc (09022015). Collection method: clinical testing. Allele origin: germline.
Comment: This sequence change replaces proline, which is neutral and non-polar, with leucine, which is neutral and non-polar, at codon 995 of the EXPH5 protein (p.Pro995Leu). This variant is not present in population databases (gnomAD no frequency). This variant has not been reported in the literature in individuals affected with EXPH5-related conditions. ClinVar contains an entry for this variant (Variation ID: 1522772). An algorithm developed to predict the effect of missense changes on protein structure and function outputs the following: PolyPhen-2: "Possibly Damaging". The leucine amino acid residue is found in multiple mammalian species, which suggests that this missense change does not adversely affect protein function. In summary, the available evidence is currently insufficient to determine the role of this variant in disease. Therefore, it has been classified as a Variant of Uncertain Significance.

NM_015065.3(EXPH5):c.2984C>T (p.Pro995Leu)

Gene: EXPH5 (exophilin 5; minus strand). Cytogenetic location: 11q22.3.
Variant type: single nucleotide variant.
Coding change: c.2984C>T on transcript NM_015065.3 (MANE Select); coding-DNA position 2984, C replaced by T.
Protein change: p.Pro995Leu; replaces proline 995 with leucine.
Molecular consequence: missense variant.
Genome position (GRCh38, 1-based): chr11:108,512,523, G>A on the plus strand (C>T on the coding strand, the complement: EXPH5 is on the minus strand). VCF-style: chr11-108512523-G-A. GRCh37 (hg19) VCF-style: chr11-108383250-G-A.
Other names: c.2984C>T (NM_015065.2); c.2756C>T, p.Pro919Leu (NM_001144763.2); c.2516C>T, p.Pro839Leu (NM_001144764.2); c.2420C>T, p.Pro807Leu (NM_001144765.2); c.2963C>T, p.Pro988Leu (NM_001308019.2); short protein forms P919L, P988L, P807L, P995L, P839L.
Identifiers: ClinVar variation 1522772 (VCV001522772.7), dbSNP rs900955478, ClinGen allele CA228438733.